The following is an entry in ClinVar:

ClinVar aggregate classification (germline): Likely benign. Review status: criteria provided, multiple submitters, no conflicts (2 of 4 stars). 3 submissions from 3 submitters: Likely benign (3). Last evaluated 2026-09-01.

Conditions:
Dilated cardiomyopathy 1G (CMD1G). Identifiers: Orphanet 154, MedGen C1858763, MONDO:0011400, OMIM 604145.
Autosomal recessive limb-girdle muscular dystrophy type 2J (LGMDR10). Also called: MUSCULAR DYSTROPHY, LIMB-GIRDLE, AUTOSOMAL RECESSIVE 10; Limb-girdle muscular dystrophy, type 2J. Identifiers: Orphanet 140922, MedGen C1837342, MONDO:0012127, OMIM 608807.
Cardiovascular phenotype. Identifiers: MedGen CN230736.

Allele frequency attached by ClinVar (database versions not stated): ExAC 0.00001; gnomAD 0.00001; gnomAD exomes 0.00001.
gnomAD v4.1: 7 of 1,612,370 alleles (0.00043%); highest among the groups gnomAD compares: Non-Finnish European, 0.00042%; no homozygotes.

Submissions (3):

CeGaT Center for Human Genetics Tuebingen
Classification: Likely benign. Last evaluated: 2026-09-01. Review status: criteria provided, single submitter. Criteria: CeGaT Center For Human Genetics Tuebingen Variant Classification Criteria Version 2. Collection method: clinical testing. Allele origin: germline. Affected: yes. Observed: 2 variant alleles.
Comment: TTN: BP4, BP7

Labcorp Genetics (formerly Invitae), Labcorp
Classification: Likely benign for Dilated cardiomyopathy 1G; Autosomal recessive limb-girdle muscular dystrophy type 2J. Last evaluated: 2025-11-12. Review status: criteria provided, single submitter. Criteria: Invitae Variant Classification Sherloc (09022015). Collection method: clinical testing. Allele origin: germline.

Ambry Genetics
Classification: Likely benign for Cardiovascular phenotype. Last evaluated: 2020-07-11. Review status: criteria provided, single submitter. Criteria: Ambry Variant Classification Scheme 2023. Collection method: clinical testing. Allele origin: germline.

NM_001267550.2(TTN):c.96819C>T (p.Tyr32273=)

Genes: TTN (titin; minus strand), TTN-AS1 (TTN antisense RNA 1; plus strand), LOC126806421 (CDK7 strongly-dependent group 2 enhancer GRCh37_chr2:179407630-179408829; plus strand). Cytogenetic location: 2q31.2.
Variant type: single nucleotide variant.
Coding change: c.96819C>T on transcript NM_001267550.2 (MANE Select); coding-DNA position 96819, C replaced by T.
Protein change: p.Tyr32273=; no amino-acid change (tyrosine 32273 retained).
Molecular consequence: synonymous variant.
Genome position (GRCh38, 1-based): chr2:178,543,154, G>A on the plus strand (C>T on the coding strand, the complement: TTN is on the minus strand). VCF-style: chr2-178543154-G-A. GRCh37 (hg19) VCF-style: chr2-179407881-G-A.
Other names: c.91896C>T, p.Tyr30632= (NM_001256850.1); c.69624C>T, p.Tyr23208= (NM_003319.4); c.89115C>T, p.Tyr29705= (NM_133378.4); c.69999C>T, p.Tyr23333= (NM_133432.3); c.70200C>T, p.Tyr23400= (NM_133437.4).
Identifiers: ClinVar variation 1756335 (VCV001756335.30), dbSNP rs200362127, ClinGen allele CA1986709.